The following is an entry in ClinVar:

NM_024057.4(NUP37):c.354+1G>A

Gene: NUP37 (nucleoporin 37; minus strand). Cytogenetic location: 12q23.2.
Variant type: single nucleotide variant.
Coding change: c.354+1G>A on transcript NM_024057.4 (MANE Select); the canonical splice donor site of the intron after coding-DNA position 354, G replaced by A.
Molecular consequence: splice donor variant.
Genome position (GRCh38, 1-based): chr12:102,101,031, C>T on the plus strand (G>A on the coding strand, the complement: NUP37 is on the minus strand). VCF-style: chr12-102101031-C-T. GRCh37 (hg19) VCF-style: chr12-102494809-C-T.
Identifiers: ClinVar variation 3775365 (VCV003775365.1).

ClinVar aggregate classification (germline): Pathogenic (1 of 4 stars; one submission).

Conditions:
Microcephaly 24, primary, autosomal recessive. Identifiers: MedGen C4748555, MONDO:0032583, OMIM 618179.

Submission:

3billion
Classification: Pathogenic for Microcephaly 24, primary, autosomal recessive. Last evaluated: 2023-08-17. Review status: criteria provided, single submitter. Criteria: ACMG Guidelines, 2015. Collection method: clinical testing. Allele origin: germline. Affected: yes.
Comment: The variant is not observed in the gnomAD v2.1.1 dataset. Predicted Consequence/Location: Canonical splice site: predicted to alter splicing and result in a loss or disruption of normal protein function. Multiple pathogenic loss-of-function variants are reported downstream of the variant. Therefore, this variant is classified as Pathogenic according to the recommendation of ACMG/AMP guideline.